The following is an entry in ClinVar:

ClinVar aggregate classification (germline): Uncertain significance. Review status: criteria provided, multiple submitters, no conflicts (2 of 4 stars). 2 submissions from 2 submitters: Uncertain significance (2). Last evaluated 2024-03-31.

Conditions:
Neurofibromatosis, familial spinal (FSNF). Identifiers: Orphanet 636, MedGen C1834235, MONDO:0008078, OMIM 162210. Disease mechanism: loss of function.
Neurofibromatosis, type 1 (NF1). Also called: NEUROFIBROMATOSIS, TYPE I, SOMATIC; Neurofibromatosis, type I; VON RECKLINGHAUSEN DISEASE; Peripheral type neurofibromatosis. Identifiers: Orphanet 636, MedGen C0027831, MONDO:0018975, OMIM 162200. Disease mechanism: loss of function.
Café-au-lait macules with pulmonary stenosis (WTSN). Also called: PULMONIC STENOSIS WITH CAFE-AU-LAIT SPOTS. Identifiers: MedGen C0553586, MONDO:0008672, OMIM 193520.
Juvenile myelomonocytic leukemia (JMML). Also called: LEUKEMIA, JUVENILE MYELOMONOCYTIC, SOMATIC. Identifiers: Orphanet 86834, MedGen C0349639, MONDO:0011908, OMIM 607785, HP:0012209.
Neurofibromatosis-Noonan syndrome (NFNS). Also called: NEUROFIBROMATOSIS WITH NOONAN PHENOTYPE. Identifiers: Orphanet 638, MedGen C2931482, MONDO:0011035, OMIM 601321. Disease mechanism: loss of function.

gnomAD v4.1: 1 of 1,602,650 alleles (0.000062%); no homozygotes.

Submissions (2):

Fulgent Genetics
Classification: Uncertain significance for Neurofibromatosis, type 1; Neurofibromatosis, familial spinal; Café-au-lait macules with pulmonary stenosis; Neurofibromatosis-Noonan syndrome; Juvenile myelomonocytic leukemia. Last evaluated: 2024-03-31. Review status: criteria provided, single submitter. Criteria: ACMG Guidelines, 2015. Collection method: clinical testing. Allele origin: germline.

Labcorp Genetics (formerly Invitae), Labcorp
Classification: Uncertain significance for Neurofibromatosis, type 1. Last evaluated: 2023-10-24. Review status: criteria provided, single submitter. Criteria: Invitae Variant Classification Sherloc (09022015). Collection method: clinical testing. Allele origin: germline.
Comment: This sequence change replaces valine, which is neutral and non-polar, with alanine, which is neutral and non-polar, at codon 1432 of the NF1 protein (p.Val1432Ala). This variant is not present in population databases (gnomAD no frequency). This variant has not been reported in the literature in individuals affected with NF1-related conditions. ClinVar contains an entry for this variant (Variation ID: 1062187). Advanced modeling of protein sequence and biophysical properties (such as structural, functional, and spatial information, amino acid conservation, physicochemical variation, residue mobility, and thermodynamic stability) performed at Invitae indicates that this missense variant is expected to disrupt NF1 protein function with a positive predictive value of 95%. In summary, the available evidence is currently insufficient to determine the role of this variant in disease. Therefore, it has been classified as a Variant of Uncertain Significance.

NM_001042492.3(NF1):c.4358T>C (p.Val1453Ala)

Gene: NF1 (neurofibromin 1; plus strand). Cytogenetic location: 17q11.2.
Variant type: single nucleotide variant.
Coding change: c.4358T>C on transcript NM_001042492.3 (MANE Select); coding-DNA position 4358, T replaced by C.
Protein change: p.Val1453Ala; replaces valine 1453 with alanine.
Molecular consequence: missense variant.
Genome position (GRCh38, 1-based): chr17:31,259,057, T>C. VCF-style: chr17-31259057-T-C. GRCh37 (hg19) VCF-style: chr17-29586075-T-C.
Other names: c.4295T>C, p.Val1432Ala (NM_000267.4); short protein forms V1432A, V1453A.
Identifiers: ClinVar variation 1062187 (VCV001062187.6), dbSNP rs1306807858, ClinGen allele CA398998762.
Genomic context (GRCh38, chr17:31,259,057, plus strand): 5'-AATCTGATTATTTATAACCCTGTTTTATTGTGTAGATACTTCAGAGTATTGCCAATCATG[T>C]TCTCTTCACAAAAGAAGAACATATGCGGCCTTTCAATGATTTTGTGAAAAGCAACTTTGA-3'
Protein context (NP_001035957.1, residues 1443-1463): SKILQSIANH[Val1453Ala]LFTKEEHMRP